The following is an entry in ClinVar:

ClinVar aggregate classification (germline): Uncertain significance (1 of 4 stars; one submission).

Submission:

GeneDx
Classification: Uncertain significance. Last evaluated: 2022-03-21. Review status: criteria provided, single submitter. Criteria: GeneDx Variant Classification Process June 2021. Collection method: clinical testing. Allele origin: germline. Affected: yes.
Comment: Not observed at significant frequency in large population cohorts (gnomAD); In silico analysis supports that this missense variant has a deleterious effect on protein structure/function; Has not been previously published as pathogenic or benign to our knowledge

NM_012082.4(ZFPM2):c.2499C>A (p.Ser833Arg)

Genes: ZFPM2 (zinc finger protein, FOG family member 2; plus strand), ZFPM2-AS1 (ZFPM2 antisense RNA 1; minus strand), LOC126860469 (BRD4-independent group 4 enhancer GRCh37_chr8:106814445-106815644; plus strand). Cytogenetic location: 8q23.1.
Variant type: single nucleotide variant.
Coding change: c.2499C>A on transcript NM_012082.4 (MANE Select); coding-DNA position 2499, C replaced by A.
Protein change: p.Ser833Arg; replaces serine 833 with arginine.
Molecular consequence: missense variant.
Genome position (GRCh38, 1-based): chr8:105,802,581, C>A. VCF-style: chr8-105802581-C-A. GRCh37 (hg19) VCF-style: chr8-106814809-C-A.
Other names: c.2340C>A, p.Ser780Arg (NM_001362836.2); c.2103C>A, p.Ser701Arg (NM_001362837.2); short protein forms S701R, S780R, S833R.
Identifiers: ClinVar variation 1707068 (VCV001707068.2), dbSNP rs2488160295, ClinGen allele CA371954206.